The following is an entry in ClinVar:

NM_016151.4(TAOK2):c.1757C>A (p.Thr586Asn)

Gene: TAOK2 (TAO kinase 2; plus strand). Cytogenetic location: 16p11.2.
Variant type: single nucleotide variant.
Coding change: c.1757C>A on transcript NM_016151.4 (MANE Select); coding-DNA position 1757, C replaced by A.
Protein change: p.Thr586Asn; replaces threonine 586 with asparagine.
Molecular consequence: missense variant.
Genome position (GRCh38, 1-based): chr16:29,985,547, C>A. VCF-style: chr16-29985547-C-A. GRCh37 (hg19) VCF-style: chr16-29996868-C-A.
Other names: c.1757C>A, p.Thr586Asn (NM_001252043.2, NM_004783.4); short protein forms T586N.
Identifiers: ClinVar variation 2767536 (VCV002767536.3), dbSNP rs2069758810, ClinGen allele CA395487091.
Genomic context (GRCh38, chr16:29,985,547, plus strand): 5'-AGCACATCCTTGGGCAGCAGAAGAAGGAGCTGGCTGCCCTGCTGGAGGCACAGAAGCGGA[C>A]CTACAAACTTCGCAAGGAACAGCTGAAGGAGGTGAGCTAGGGCTGCTTGGGGGCGGAGCC-3'
Protein context (NP_057235.2, residues 576-596): LAALLEAQKR[Thr586Asn]YKLRKEQLKE

ClinVar aggregate classification (germline): Uncertain significance (1 of 4 stars; one submission).

Allele frequency attached by ClinVar (database versions not stated): gnomAD 0.00001; gnomAD exomes below 0.00001.
gnomAD v4.1: 2 of 1,603,800 alleles (0.00012%); highest among the groups gnomAD compares: Admixed American, 0.0017%; no homozygotes.

Submission:

Labcorp Genetics (formerly Invitae), Labcorp
Classification: Uncertain significance. Last evaluated: 2026-01-06. Review status: criteria provided, single submitter. Criteria: Invitae Variant Classification Sherloc (09022015). Collection method: clinical testing. Allele origin: germline.
Comment: This sequence change replaces threonine, which is neutral and polar, with asparagine, which is neutral and polar, at codon 586 of the TAOK2 protein (p.Thr586Asn). This variant is not present in population databases (gnomAD no frequency). This variant has not been reported in the literature in individuals affected with TAOK2-related conditions. ClinVar contains an entry for this variant (Variation ID: 2767536). An algorithm developed to predict the effect of missense changes on protein structure and function (PolyPhen-2) suggests that this variant is likely to be tolerated. In summary, the available evidence is currently insufficient to determine the role of this variant in disease. Therefore, it has been classified as a Variant of Uncertain Significance.